The following is an entry in ClinVar:

ClinVar aggregate classification (germline): Uncertain significance. Review status: criteria provided, multiple submitters, no conflicts (2 of 4 stars). 2 submissions from 2 submitters: Uncertain significance (2). Last evaluated 2022-08-03.

Conditions:
Emery-Dreifuss muscular dystrophy 5, autosomal dominant (EDMD5). Also called: EMERY-DREIFUSS MUSCULAR DYSTROPHY 5. Identifiers: Orphanet 261, MedGen C2751805, MONDO:0013072, OMIM 612999.

Submissions (2):

Labcorp Genetics (formerly Invitae), Labcorp
Classification: Uncertain significance for Emery-Dreifuss muscular dystrophy 5, autosomal dominant. Last evaluated: 2022-08-03. Review status: criteria provided, single submitter. Criteria: Invitae Variant Classification Sherloc (09022015). Collection method: clinical testing. Allele origin: germline.
Comment: This variant has not been reported in the literature in individuals affected with SYNE2-related conditions. In summary, the available evidence is currently insufficient to determine the role of this variant in disease. Therefore, it has been classified as a Variant of Uncertain Significance. Algorithms developed to predict the effect of missense changes on protein structure and function are either unavailable or do not agree on the potential impact of this missense change (SIFT: "Tolerated"; PolyPhen-2: "Probably Damaging"; Align-GVGD: "Class C0"). ClinVar contains an entry for this variant (Variation ID: 538325). This variant is not present in population databases (gnomAD no frequency). This sequence change replaces aspartic acid, which is acidic and polar, with histidine, which is basic and polar, at codon 2590 of the SYNE2 protein (p.Asp2590His).

Revvity Omics, Revvity
Classification: Uncertain significance for Emery-Dreifuss muscular dystrophy 5, autosomal dominant. Last evaluated: 2019-11-03. Review status: criteria provided, single submitter. Criteria: ACMG Guidelines, 2015. Collection method: clinical testing. Allele origin: germline.

NM_182914.3(SYNE2):c.7768G>C (p.Asp2590His)

Gene: SYNE2 (spectrin repeat containing nuclear envelope protein 2; plus strand). Cytogenetic location: 14q23.2.
Variant type: single nucleotide variant.
Coding change: c.7768G>C on transcript NM_182914.3 (MANE Select); coding-DNA position 7768, G replaced by C.
Protein change: p.Asp2590His; replaces aspartic acid 2590 with histidine.
Molecular consequence: missense variant.
Genome position (GRCh38, 1-based): chr14:64,051,681, G>C. VCF-style: chr14-64051681-G-C. GRCh37 (hg19) VCF-style: chr14-64518399-G-C.
Other names: c.7768G>C, p.Asp2590His (NM_015180.6); short protein forms D2590H.
Identifiers: ClinVar variation 538325 (VCV000538325.11), dbSNP rs1555452706, ClinGen allele CA389961282.